The following is an entry in ClinVar:

ClinVar aggregate classification (germline): Pathogenic. Review status: criteria provided, multiple submitters, no conflicts (2 of 4 stars). 2 submissions from 2 submitters: Pathogenic (2). Last evaluated 2025-12-10.

Conditions:
Cone-rod dystrophy. Also called: Cone-rod degeneration; Cone/cone-rod dystrophy. Identifiers: Orphanet 1872, MedGen C4085590, MONDO:0015993, HP:0000548.
Retinitis pigmentosa 19 (RP19). Also called: ABCA4-Related Retinitis Pigmentosa. Identifiers: Orphanet 791, MedGen C1866422, MONDO:0011137, OMIM 601718.

Submissions (2):

Research Institute for Ophthalmology and Vision Science, Shahid Beheshti University of Medical Sciences
Classification: Pathogenic for Retinitis pigmentosa 19. Last evaluated: 2025-12-10. Review status: criteria provided, single submitter. Criteria: ACMG Guidelines, 2015. Collection method: research. Allele origin: inherited. Inheritance: Autosomal recessive inheritance. Affected: yes.
Comment: NM_000350.3(ABCA4):c.5714+1G>C is a null variant that is not present in gnomAD databases.

Lab De Baere, Eye and Developmental Genetics Lab, Ghent University
Classification: Pathogenic for Cone-rod dystrophy. Last evaluated: 2024-10-01. Review status: criteria provided, single submitter. Criteria: ACMG Guidelines, 2015. Collection method: research. Allele origin: inherited. Affected: yes. Observed: 1 variant allele.
Comment: ACMG/AMP guidelines: PM2, PVS1, PP1, PM3_1

Literature cited by the submitters: PubMed 29854428 (cited by Research Institute for Ophthalmology and Vision Science, Shahid Beheshti University of Medical Sciences).

NM_000350.3(ABCA4):c.5714+1G>C

Gene: ABCA4 (ATP binding cassette subfamily A member 4; minus strand). Cytogenetic location: 1p22.1.
Variant type: single nucleotide variant.
Coding change: c.5714+1G>C on transcript NM_000350.3 (MANE Select); the canonical splice donor site of the intron after coding-DNA position 5714, G replaced by C.
Molecular consequence: splice donor variant.
Genome position (GRCh38, 1-based): chr1:94,010,799, C>G on the plus strand (G>C on the coding strand, the complement: ABCA4 is on the minus strand). VCF-style: chr1-94010799-C-G. GRCh37 (hg19) VCF-style: chr1-94476355-C-G.
Other names: c.5492+1G>C (NM_001425324.1).
Identifiers: ClinVar variation 3544480 (VCV003544480.2).